The following is an entry in ClinVar:

ClinVar aggregate classification (germline): Uncertain significance (1 of 4 stars; one submission).

Conditions:
Generalized epilepsy with febrile seizures plus, type 7 (GEFSP7). Also called: GEFS+, TYPE 7. Identifiers: Orphanet 36387, MedGen C2751778, MONDO:0013470, OMIM 613863.
Neuropathy, hereditary sensory and autonomic, type 2A (HSAN2A). Also called: HSAN IIA; WNK1-Related HSAN2 (HSAN2A); MORVAN DISEASE; NEUROPATHY, CONGENITAL SENSORY; NEUROPATHY, HEREDITARY SENSORY RADICULAR, AUTOSOMAL RECESSIVE; NEUROPATHY, HEREDITARY SENSORY, TYPE IIA. Identifiers: Orphanet 970, MedGen C2752089, MONDO:0024309, OMIM 201300.

Allele frequency attached by ClinVar (database versions not stated): gnomAD exomes 0.00001.
gnomAD v4.1: 13 of 1,613,828 alleles (0.00081%); highest among the groups gnomAD compares: Non-Finnish European, 0.0011%; no homozygotes.

Submission:

Labcorp Genetics (formerly Invitae), Labcorp
Classification: Uncertain significance for Neuropathy, hereditary sensory and autonomic, type 2A; Generalized epilepsy with febrile seizures plus, type 7. Last evaluated: 2024-06-04. Review status: criteria provided, single submitter. Criteria: Invitae Variant Classification Sherloc (09022015). Collection method: clinical testing. Allele origin: germline.
Comment: This sequence change replaces lysine, which is basic and polar, with arginine, which is basic and polar, at codon 482 of the SCN9A protein (p.Lys482Arg). This variant is not present in population databases (gnomAD no frequency). This missense change has been observed in individual(s) with autosomal dominant small fiber neuropathy (PMID: 36895957). ClinVar contains an entry for this variant (Variation ID: 1480482). Advanced modeling of protein sequence and biophysical properties (such as structural, functional, and spatial information, amino acid conservation, physicochemical variation, residue mobility, and thermodynamic stability) performed at Invitae indicates that this missense variant is not expected to disrupt SCN9A protein function with a negative predictive value of 95%. In summary, the available evidence is currently insufficient to determine the role of this variant in disease. Therefore, it has been classified as a Variant of Uncertain Significance.

Literature cited by the submitters: PubMed 36895957.

NM_001365536.1(SCN9A):c.1445A>G (p.Lys482Arg)

Genes: SCN1A-AS1 (SCN1A and SCN9A antisense RNA 1; plus strand), SCN9A (sodium voltage-gated channel alpha subunit 9; minus strand). Cytogenetic location: 2q24.3.
Variant type: single nucleotide variant.
Coding change: c.1445A>G on transcript NM_001365536.1 (MANE Select); coding-DNA position 1445, A replaced by G.
Protein change: p.Lys482Arg; replaces lysine 482 with arginine.
Molecular consequence: missense variant.
Genome position (GRCh38, 1-based): chr2:166,286,493, T>C on the plus strand (A>G on the coding strand, the complement: SCN9A is on the minus strand). VCF-style: chr2-166286493-T-C. GRCh37 (hg19) VCF-style: chr2-167143003-T-C.
Other names: c.1445A>G, p.Lys482Arg (NM_002977.4); short protein forms K482R.
Identifiers: ClinVar variation 1480482 (VCV001480482.8), dbSNP rs1349906747, ClinGen allele CA349084728.